The following is an entry in ClinVar:

ClinVar aggregate classification (germline): Uncertain significance (1 of 4 stars; one submission).

Conditions:
Vissers-Bodmer syndrome. Identifiers: MedGen C5436647, MONDO:0033618, OMIM 619033.

Submission:

Pittsburgh Clinical Genomics Laboratory, University of Pittsburgh Medical Center
Classification: Uncertain significance for Vissers-Bodmer syndrome. Last evaluated: 2023-10-03. Review status: criteria provided, single submitter. Criteria: ACMG Guidelines, 2015. Collection method: clinical testing. Allele origin: germline. Inheritance: Autosomal dominant inheritance. Affected: yes.
Comment: This sequence variant is a single nucleotide substitution (T>A) at position 954 of the coding sequence of the CNOT1 gene that results in a serine to arginine amino acid change at residue 318 of the CCR4-NOT transcription complex subunit 1 protein. This novel variant is absent from ClinVar, publications, and the gnomAD population database (0/~282000 alleles). Multiple bioinformatic tools predict that this serine to arginine amino acid change would be damaging, and the Ser318 residue at this position is highly conserved across the vertebrate species examined. Studies examining the functiol consequence of this variant have not been performed. Proteomic studies suggest that this serine residue is a phosphorylation target (PMID: 23186163), though the clinical significance of this is unknown. At this time, there is insufficient evidence to determine if this variant is pathogenic or benign. Therefore, we consider this a variant of uncertain significance. ACMG Criteria: PM2, PP3

Literature cited by the submitters: PubMed 23186163.

NM_016284.5(CNOT1):c.954T>A (p.Ser318Arg)

Gene: CNOT1 (CCR4-NOT transcription complex subunit 1; minus strand). Cytogenetic location: 16q21.
Variant type: single nucleotide variant.
Coding change: c.954T>A on transcript NM_016284.5 (MANE Select); coding-DNA position 954, T replaced by A.
Protein change: p.Ser318Arg; replaces serine 318 with arginine.
Molecular consequence: missense variant. On other transcripts: non-coding transcript variant (1).
Genome position (GRCh38, 1-based): chr16:58,582,883, A>T on the plus strand (T>A on the coding strand, the complement: CNOT1 is on the minus strand). VCF-style: chr16-58582883-A-T. GRCh37 (hg19) VCF-style: chr16-58616787-A-T.
Other names: c.954T>A, p.Ser318Arg (NM_001265612.2, NM_206999.3); short protein forms S318R.
Identifiers: ClinVar variation 3376261 (VCV003376261.1).